The following is an entry in ClinVar:

ClinVar aggregate classification (germline): Uncertain significance (1 of 4 stars; one submission).

Conditions:
Inborn genetic diseases. Identifiers: MedGen C0950123, MeSH D030342.

Submission:

Ambry Genetics
Classification: Uncertain significance for Inborn genetic diseases. Last evaluated: 2026-07-23. Review status: criteria provided, single submitter. Criteria: Ambry Variant Classification Scheme 2023. Collection method: clinical testing. Allele origin: germline.
Comment: The p.P320S variant (also known as c.958C>T), located in coding exon 4 of the SH2B3 gene, results from a C to T substitution at nucleotide position 958. The proline at codon 320 is replaced by serine, an amino acid with similar properties. This amino acid position is conserved. In addition, this alteration is predicted to be tolerated by in silico analysis. Based on the available evidence, the clinical significance of this variant remains unclear.

NM_005475.3(SH2B3):c.958C>T (p.Pro320Ser)

Gene: SH2B3 (SH2B adaptor protein 3; plus strand). Cytogenetic location: 12q24.12.
Variant type: single nucleotide variant.
Coding change: c.958C>T on transcript NM_005475.3 (MANE Select); coding-DNA position 958, C replaced by T.
Protein change: p.Pro320Ser; replaces proline 320 with serine.
Molecular consequence: missense variant.
Genome position (GRCh38, 1-based): chr12:111,447,156, C>T. VCF-style: chr12-111447156-C-T. GRCh37 (hg19) VCF-style: chr12-111884960-C-T.
Other names: c.352C>T, p.Pro118Ser (NM_001291424.1); short protein forms P118S, P320S.
Identifiers: ClinVar variation 5029481 (VCV005029481.1).